The following is an entry in ClinVar:

ClinVar aggregate classification (germline): Likely benign (0 of 4 stars; one submission).

Conditions:
ARID2-related disorder. Also called: ARID2-related condition.

Allele frequency attached by ClinVar (database versions not stated): gnomAD 0.00004; ExAC 0.00005; TOPMed 0.00005; gnomAD exomes 0.00007.
gnomAD v4.1: 111 of 1,613,010 alleles (0.0069%); highest among the groups gnomAD compares: Non-Finnish European, 0.0089%; no homozygotes.

Submission:

PreventionGenetics, part of Exact Sciences
Classification: Likely benign for ARID2-related condition. Last evaluated: 2020-05-21. Review status: no assertion criteria provided. Collection method: clinical testing. Allele origin: germline.
Comment: This variant is classified as likely benign based on ACMG/AMP sequence variant interpretation guidelines (Richards et al. 2015 PMID: 25741868, with internal and published modifications).

NM_152641.4(ARID2):c.1521G>A (p.Gln507=)

Gene: ARID2 (AT-rich interaction domain 2; plus strand). Cytogenetic location: 12q12.
Variant type: single nucleotide variant.
Coding change: c.1521G>A on transcript NM_152641.4 (MANE Select); coding-DNA position 1521, G replaced by A.
Protein change: p.Gln507=; no amino-acid change (glutamine 507 retained).
Molecular consequence: synonymous variant.
Genome position (GRCh38, 1-based): chr12:45,846,878, G>A. VCF-style: chr12-45846878-G-A. GRCh37 (hg19) VCF-style: chr12-46240661-G-A.
Other names: c.1521G>A, p.Gln507= (NM_001347839.2).
Identifiers: ClinVar variation 3036824 (VCV003036824.2), dbSNP rs745890862, ClinGen allele CA6526159.